The following is an entry in ClinVar:

NM_006494.4(ERF):c.205G>A (p.Val69Ile)

Gene: ERF (ETS2 repressor factor; minus strand). Cytogenetic location: 19q13.2.
Variant type: single nucleotide variant.
Coding change: c.205G>A on transcript NM_006494.4 (MANE Select); coding-DNA position 205, G replaced by A.
Protein change: p.Val69Ile; replaces valine 69 with isoleucine.
Molecular consequence: missense variant. On other transcripts: 5 prime UTR variant (3).
Genome position (GRCh38, 1-based): chr19:42,250,383, C>T on the plus strand (G>A on the coding strand, the complement: ERF is on the minus strand). VCF-style: chr19-42250383-C-T. GRCh37 (hg19) VCF-style: chr19-42754535-C-T.
Other names: c.-21G>A (NM_001301035.2, NM_001308402.2, NM_001312656.2); short protein forms V69I.
Identifiers: ClinVar variation 1691330 (VCV001691330.2), dbSNP rs745819984, ClinGen allele CA9471485.

ClinVar aggregate classification (germline): Uncertain significance (1 of 4 stars; one submission).

Allele frequency attached by ClinVar (database versions not stated): gnomAD exomes below 0.00001 and 0.00002; ExAC 0.00001; gnomAD 0.00002 and 0.00003; TOPMed 0.00003.
gnomAD v4.1: 30 of 1,613,832 alleles (0.0019%); highest among the groups gnomAD compares: Admixed American, 0.0033%; no homozygotes.

Submission:

Seattle Children's Hospital Molecular Genetics Laboratory, Seattle Children's Hospital
Classification: Uncertain significance. Last evaluated: 2021-12-10. Review status: criteria provided, single submitter. Criteria: ACMG Guidelines, 2015. Collection method: clinical testing. Allele origin: germline. Affected: yes.
Comment: The c.205G>A change results in the valine at amino acid position 69 being substituted with an isoleucine within exon 2 of the ERF gene. While the p.Val69Ile variant has not been reported, the neighboring missense change p.Gly68Arg has been observed in a family with multiple affected individuals (PMID: 30758909). A different neighboring missense change, p.Arg70Cys, has been reported as a variant of uncertain significance in an individual with craniosynostosis (ClinVar Variation ID: 543068). These variants are located in the ETS domain of the ERF protein (amino acids 27 to 107, Uniprot P50548), which has been shown to have a clustering of missense variants in cohorts with craniosynostosis. The p.Val69Ile variant is present at an extremely low frequency in a large population studies (2 of 282,700 alleles, gnomAD v2.1.1).